The following is an entry in ClinVar:

ClinVar aggregate classification (germline): Uncertain significance (1 of 4 stars; one submission).

Conditions:
Jeune thoracic dystrophy. Also called: Short-rib thoracic dysplasia; Jeune syndrome; Infantile thoracic dystrophy; Thoracic pelvic phalangeal dystrophy; Jeune's syndrome; Chondroectodermal dysplasia-like syndrome. Identifiers: Orphanet 474, MedGen C0265275, MONDO:0018770.

Submission:

Labcorp Genetics (formerly Invitae), Labcorp
Classification: Uncertain significance for Jeune thoracic dystrophy. Last evaluated: 2023-12-22. Review status: criteria provided, single submitter. Criteria: Invitae Variant Classification Sherloc (09022015). Collection method: clinical testing. Allele origin: germline.
Comment: This sequence change replaces proline, which is neutral and non-polar, with leucine, which is neutral and non-polar, at codon 2104 of the DYNC2H1 protein (p.Pro2104Leu). This variant is not present in population databases (gnomAD no frequency). This variant has not been reported in the literature in individuals affected with DYNC2H1-related conditions. ClinVar contains an entry for this variant (Variation ID: 2151790). Advanced modeling of protein sequence and biophysical properties (such as structural, functional, and spatial information, amino acid conservation, physicochemical variation, residue mobility, and thermodynamic stability) performed at Invitae indicates that this missense variant is expected to disrupt DYNC2H1 protein function with a positive predictive value of 95%. In summary, the available evidence is currently insufficient to determine the role of this variant in disease. Therefore, it has been classified as a Variant of Uncertain Significance.

NM_001377.3(DYNC2H1):c.6311C>T (p.Pro2104Leu)

Gene: DYNC2H1 (dynein cytoplasmic 2 heavy chain 1; plus strand). Cytogenetic location: 11q22.3.
Variant type: single nucleotide variant.
Coding change: c.6311C>T on transcript NM_001377.3 (MANE Select); coding-DNA position 6311, C replaced by T.
Protein change: p.Pro2104Leu; replaces proline 2104 with leucine.
Molecular consequence: missense variant.
Genome position (GRCh38, 1-based): chr11:103,179,197, C>T. VCF-style: chr11-103179197-C-T. GRCh37 (hg19) VCF-style: chr11-103049926-C-T.
Other names: c.6311C>T, p.Pro2104Leu (NM_001080463.2); short protein forms P2104L.
Identifiers: ClinVar variation 2151790 (VCV002151790.4), dbSNP rs2496244197, ClinGen allele CA382247497.